The following is an entry in ClinVar:

NM_001394998.1(TANC2):c.1045G>C (p.Ala349Pro)

Gene: TANC2 (tetratricopeptide repeat, ankyrin repeat and coiled-coil containing 2; plus strand). Cytogenetic location: 17q23.3.
Variant type: single nucleotide variant.
Coding change: c.1045G>C on transcript NM_001394998.1 (MANE Select); coding-DNA position 1045, G replaced by C.
Protein change: p.Ala349Pro; replaces alanine 349 with proline.
Molecular consequence: missense variant.
Genome position (GRCh38, 1-based): chr17:63,267,759, G>C. VCF-style: chr17-63267759-G-C. GRCh37 (hg19) VCF-style: chr17-61345120-G-C.
Other names: c.823G>C, p.Ala275Pro (NM_001411076.1, NM_025185.4); short protein forms A275P, A349P.
Identifiers: ClinVar variation 3901428 (VCV003901428.1).

ClinVar aggregate classification (germline): Uncertain significance (1 of 4 stars; one submission).

Submission:

GeneDx
Classification: Uncertain significance. Last evaluated: 2024-12-07. Review status: criteria provided, single submitter. Criteria: GeneDx Variant Classification Process June 2021. Collection method: clinical testing. Allele origin: germline. Affected: yes.
Comment: Not observed at significant frequency in large population cohorts (gnomAD); In silico analysis indicates that this missense variant does not alter protein structure/function; Has not been previously published as pathogenic or benign to our knowledge